The following is an entry in ClinVar:

NM_000444.6(PHEX):c.1805G>A (p.Trp602Ter)

Genes: PTCHD1-AS (PTCHD1 and PHEX antisense RNA; minus strand), PHEX (phosphate regulating endopeptidase X-linked; plus strand). Cytogenetic location: Xp22.11.
Variant type: single nucleotide variant.
Coding change: c.1805G>A on transcript NM_000444.6 (MANE Select); coding-DNA position 1805, G replaced by A.
Protein change: p.Trp602Ter; replaces tryptophan 602 with a stop codon.
Molecular consequence: nonsense.
Genome position (GRCh38, 1-based): chrX:22,221,649, G>A. VCF-style: chrX-22221649-G-A. GRCh37 (hg19) VCF-style: chrX-22239766-G-A.
Other names: c.1805G>A, p.Trp602Ter (NM_001282754.2); short protein forms W602*.
Identifiers: ClinVar variation 620381 (VCV000620381.6), dbSNP rs1569431986, ClinGen allele CA412573582.

ClinVar aggregate classification (germline): Pathogenic. Review status: criteria provided, multiple submitters, no conflicts (2 of 4 stars). 2 submissions from 2 submitters: Pathogenic (2). Last evaluated 2021-07-17.

Submissions (2):

Labcorp Genetics (formerly Invitae), Labcorp
Classification: Pathogenic. Last evaluated: 2021-07-17. Review status: criteria provided, single submitter. Criteria: Invitae Variant Classification Sherloc (09022015). Collection method: clinical testing. Allele origin: germline.
Comment: This sequence change creates a premature translational stop signal (p.Trp602*) in the PHEX gene. It is expected to result in an absent or disrupted protein product. Loss-of-function variants in PHEX are known to be pathogenic (PMID: 9097956, 9106524, 19219621). This variant is not present in population databases (ExAC no frequency). This premature translational stop signal has been observed in individual(s) with clinical feature of hypophosphatemia (PMID: 30682568). ClinVar contains an entry for this variant (Variation ID: 620381). For these reasons, this variant has been classified as Pathogenic.

GeneDx
Classification: Pathogenic. Last evaluated: 2018-09-20. Review status: criteria provided, single submitter. Criteria: GeneDx Variant Classification (06012015). Collection method: clinical testing. Allele origin: germline. Affected: yes.
Comment: The W602X nonsense variant in the PHEX gene has been reported previously in association with hypophosphatemic rickets (Vanacker et al., 2008). This variant is predicted to cause loss of normal protein function either through protein truncation or nonsense-mediated mRNA decay. The W602X variant is not observed in large population cohorts (Lek et al., 2016). We consider this variant to be pathogenic.

Literature cited by the submitters: PubMed 9097956 (cited by Labcorp Genetics (formerly Invitae), Labcorp); PubMed 9106524 (cited by Labcorp Genetics (formerly Invitae), Labcorp); PubMed 19219621 (cited by Labcorp Genetics (formerly Invitae), Labcorp); PubMed 30682568 (cited by Labcorp Genetics (formerly Invitae), Labcorp).